The following is an entry in ClinVar:

ClinVar aggregate classification (germline): Benign/Likely benign. Review status: criteria provided, multiple submitters, no conflicts (2 of 4 stars). 7 submissions from 7 submitters: Benign (6); Likely benign (1). Last evaluated 2026-02-04.

Conditions:
Inflammatory bowel disease 28. Also called: Inflammatory bowel disease 28, early onset, autosomal recessive. Identifiers: Orphanet 238569, MedGen C2751053, MONDO:0013153, OMIM 613148.

Allele frequency attached by ClinVar (database versions not stated): ESP Exome Variant Server 0.50139; gnomAD 0.50461 and 0.50610; 1000 Genomes Project 0.51677; TOPMed 0.51711; gnomAD exomes 0.51780 and 0.53287; 1000 Genomes Project 30x 0.51843; ExAC 0.52734.
gnomAD v4.1: 834,230 of 1,613,002 alleles (52%); highest among the groups gnomAD compares: Admixed American, 61%; 217,351 homozygotes.

Submissions (7):

Labcorp Genetics (formerly Invitae), Labcorp
Classification: Benign for Inflammatory bowel disease 28. Last evaluated: 2026-02-04. Review status: criteria provided, single submitter. Criteria: Invitae Variant Classification Sherloc (09022015). Collection method: clinical testing. Allele origin: germline.

Blueprint Genetics
Classification: Likely benign. Last evaluated: 2024-11-27. Review status: criteria provided, single submitter. Criteria: ACMG Guidelines, 2015. Collection method: clinical testing. Allele origin: germline.

Unidad de Genómica Garrahan, Hospital de Pediatría Garrahan
Classification: Benign. Last evaluated: 2023-11-12. Review status: criteria provided, single submitter. Criteria: ACMG Guidelines, 2015. Collection method: clinical testing. Allele origin: germline. Affected: no. Observed: 77 variant alleles.
Comment: This variant is classified as Benign based on local population frequency. This variant was detected in 80% of patients studied by a panel of primary immunodeficiencies. Number of patients: 77. Only high quality variants are reported.

Mayo Clinic Laboratories, Mayo Clinic
Classification: Benign. Last evaluated: 2018-03-22. Review status: criteria provided, single submitter. Criteria: ACMG Guidelines, 2015. Collection method: clinical testing. Allele origin: germline. Observed: 1,024 variant alleles.

Illumina Laboratory Services, Illumina
Classification: Benign for Inflammatory bowel disease 28. Last evaluated: 2018-01-12. Review status: criteria provided, single submitter. Criteria: ICSL Variant Classification Criteria 13 December 2019. Collection method: clinical testing. Allele origin: germline.
Comment: This variant was observed in the ICSL laboratory as part of a predisposition screen in an ostensibly healthy population. It had not been previously curated by ICSL or reported in the Human Gene Mutation Database (HGMD: prior to June 1st, 2018), and was therefore a candidate for classification through an automated scoring system. Utilizing variant allele frequency, disease prevalence and penetrance estimates, and inheritance mode, an automated score was calculated to assess if this variant is too frequent to cause the disease. Based on the score and internal cut-off values, a variant classified as benign is not then subjected to further curation. The score for this variant resulted in a classification of benign for this disease.

Laboratory for Molecular Medicine, Mass General Brigham Personalized Medicine
Classification: Benign. Last evaluated: 2016-03-28. Review status: criteria provided, single submitter. Criteria: LMM Criteria. Collection method: clinical testing. Allele origin: germline.
Comment: Variant identified in a genome or exome case(s) and assessed due to predicted null impact of the variant or pathogenic assertions in the literature or databases. Disclaimer: This variant has not undergone full assessment. The following are preliminary notes: Frequency

Breakthrough Genomics
Classification: Benign. Review status: criteria provided, single submitter. Criteria: ACMG Guidelines, 2015. Collection method: not provided. Allele origin: germline. Inheritance: Autosomal recessive inheritance. Affected: yes.

NM_001558.4(IL10RA):c.459A>G (p.Ala153=)

Gene: IL10RA (interleukin 10 receptor subunit alpha; plus strand). Cytogenetic location: 11q23.3.
Variant type: single nucleotide variant.
Coding change: c.459A>G on transcript NM_001558.4 (MANE Select); coding-DNA position 459, A replaced by G.
Protein change: p.Ala153=; no amino-acid change (alanine 153 retained).
Molecular consequence: synonymous variant. On other transcripts: non-coding transcript variant (1).
Genome position (GRCh38, 1-based): chr11:117,993,332, A>G. VCF-style: chr11-117993332-A-G. GRCh37 (hg19) VCF-style: chr11-117864047-A-G.
Other names: p.Ala153=.
Identifiers: ClinVar variation 302546 (VCV000302546.22), dbSNP rs2256111, ClinGen allele CA6298953.
Genomic context (GRCh38, chr11:117,993,332, plus strand): 5'-GATCCACAATGGCTTCATCCTCGGGAAGATTCAGCTACCCAGGCCCAAGATGGCCCCCGC[A>G]AATGACACATATGAAAGCATCTTCAGTCACTTCCGAGAGTATGAGATTGCCATTCGCAAG-3'
Protein context (NP_001549.2, residues 143-163): IQLPRPKMAP[Ala153=]NDTYESIFSH